The following is an entry in ClinVar:

ClinVar aggregate classification (germline): Conflicting classifications of pathogenicity. Review status: criteria provided, conflicting classifications (1 of 4 stars). 2 submissions from 2 submitters: Uncertain significance (1); Benign (1). Last evaluated 2025-06-03.

gnomAD v4.1: 173 of 1,599,424 alleles (0.011%); highest among the groups gnomAD compares: African/African-American, 0.18%; no homozygotes.

Submissions (2):

Ambry Genetics
Classification: Uncertain significance. Last evaluated: 2025-06-03. Review status: criteria provided, single submitter. Criteria: Ambry Variant Classification Scheme 2023. Collection method: clinical testing. Allele origin: germline.

CeGaT Center for Human Genetics Tuebingen
Classification: Benign. Last evaluated: 2025-02-01. Review status: criteria provided, single submitter. Criteria: CeGaT Center For Human Genetics Tuebingen Variant Classification Criteria Version 2. Collection method: clinical testing. Allele origin: germline. Affected: yes. Observed: 1 variant allele.
Comment: PTPN2: BP4, BS1, BS2

NM_002828.4(PTPN2):c.730A>G (p.Ile244Val)

Gene: PTPN2 (protein tyrosine phosphatase non-receptor type 2; minus strand). Cytogenetic location: 18p11.21.
Variant type: single nucleotide variant.
Coding change: c.730A>G on transcript NM_002828.4 (MANE Select); coding-DNA position 730, A replaced by G.
Protein change: p.Ile244Val; replaces isoleucine 244 with valine.
Molecular consequence: missense variant.
Genome position (GRCh38, 1-based): chr18:12,814,331, T>C on the plus strand (A>G on the coding strand, the complement: PTPN2 is on the minus strand). VCF-style: chr18-12814331-T-C. GRCh37 (hg19) VCF-style: chr18-12814330-T-C.
Other names: c.730A>G (NM_002828.3); c.799A>G, p.Ile267Val (NM_001207013.2); c.643A>G, p.Ile215Val (NM_001308287.1); c.730A>G, p.Ile244Val (NM_080422.3, NM_080423.3); short protein forms I215V, I244V, I267V.
Identifiers: ClinVar variation 3771287 (VCV003771287.13).